The following is an entry in ClinVar:

NM_006922.4(SCN3A):c.2422G>T (p.Val808Phe)

Gene: SCN3A (sodium voltage-gated channel alpha subunit 3; minus strand). Cytogenetic location: 2q24.3.
Variant type: single nucleotide variant.
Coding change: c.2422G>T on transcript NM_006922.4 (MANE Select); coding-DNA position 2422, G replaced by T.
Protein change: p.Val808Phe; replaces valine 808 with phenylalanine.
Molecular consequence: missense variant.
Genome position (GRCh38, 1-based): chr2:165,131,387, C>A on the plus strand (G>T on the coding strand, the complement: SCN3A is on the minus strand). VCF-style: chr2-165131387-C-A. GRCh37 (hg19) VCF-style: chr2-165987897-C-A.
Other names: c.2275G>T, p.Val759Phe (NM_001081676.2, NM_001081677.2); short protein forms V759F, V808F.
Identifiers: ClinVar variation 3371636 (VCV003371636.1).

ClinVar aggregate classification (germline): Uncertain significance (1 of 4 stars; one submission).

Submission:

GeneDx
Classification: Uncertain significance. Last evaluated: 2024-03-27. Review status: criteria provided, single submitter. Criteria: GeneDx Variant Classification Process June 2021. Collection method: clinical testing. Allele origin: germline. Affected: yes.
Comment: Not observed at significant frequency in large population cohorts (gnomAD); In silico analysis supports that this missense variant does not alter protein structure/function; Has not been previously published as pathogenic or benign to our knowledge